The following is an entry in ClinVar:

NM_001077418.3(TMEM231):c.665-57C>T

Gene: TMEM231 (transmembrane protein 231; minus strand). Cytogenetic location: 16q23.1.
Variant type: single nucleotide variant.
Coding change: c.665-57C>T on transcript NM_001077418.3 (MANE Select); 57 bases into the intron before coding-DNA position 665, C replaced by T.
Molecular consequence: intron variant.
Genome position (GRCh38, 1-based): chr16:75,541,512, G>A on the plus strand (C>T on the coding strand, the complement: TMEM231 is on the minus strand). VCF-style: chr16-75541512-G-A. GRCh37 (hg19) VCF-style: chr16-75575410-G-A.
Other names: c.824-57C>T (NM_001077416.2).
Identifiers: ClinVar variation 675090 (VCV000675090.2), dbSNP rs7202717, ClinGen allele CA14301884.

ClinVar aggregate classification (germline): Benign. Review status: criteria provided, multiple submitters, no conflicts (2 of 4 stars). 2 submissions from 2 submitters: Benign (2). Last evaluated 2018-06-14.

Allele frequency attached by ClinVar (database versions not stated): 1000 Genomes Project 30x 0.13351; 1000 Genomes Project 0.13898; TOPMed 0.15656; gnomAD 0.16713; gnomAD exomes 0.18206.
gnomAD v4.1: 208,176 of 1,159,802 alleles (18%); highest among the groups gnomAD compares: Non-Finnish European, 19%; 19,933 homozygotes.

Submissions (2):

GeneDx
Classification: Benign. Last evaluated: 2018-06-14. Review status: criteria provided, single submitter. Criteria: GeneDx Variant Classification (06012015). Collection method: clinical testing. Allele origin: germline. Affected: yes.
Comment: This variant is considered likely benign or benign based on one or more of the following criteria: it is a conservative change, it occurs at a poorly conserved position in the protein, it is predicted to be benign by multiple in silico algorithms, and/or has population frequency not consistent with disease.

Breakthrough Genomics
Classification: Benign. Review status: criteria provided, single submitter. Criteria: ACMG Guidelines, 2015. Collection method: not provided. Allele origin: germline. Inheritance: Autosomal recessive inheritance. Affected: yes.